The following is an entry in ClinVar:

NM_001122769.3(LCA5):c.2006G>T (p.Arg669Met)

Gene: LCA5 (lebercilin LCA5; minus strand). Cytogenetic location: 6q14.1.
Variant type: single nucleotide variant.
Coding change: c.2006G>T on transcript NM_001122769.3 (MANE Select); coding-DNA position 2006, G replaced by T.
Protein change: p.Arg669Met; replaces arginine 669 with methionine.
Molecular consequence: missense variant.
Genome position (GRCh38, 1-based): chr6:79,487,092, C>A on the plus strand (G>T on the coding strand, the complement: LCA5 is on the minus strand). VCF-style: chr6-79487092-C-A. GRCh37 (hg19) VCF-style: chr6-80196809-C-A.
Other names: c.2006G>T, p.Arg669Met (NM_181714.4); short protein forms R669M.
Identifiers: ClinVar variation 358089 (VCV000358089.19), dbSNP rs371733166, ClinGen allele CA3900739.

ClinVar aggregate classification (germline): Uncertain significance. Review status: criteria provided, multiple submitters, no conflicts (2 of 4 stars). 7 submissions from 7 submitters: Uncertain significance (6). 1 of the submissions does not count toward it. Last evaluated 2026-05-26.

Conditions:
Leber congenital amaurosis 5 (LCA5). Also called: Amaurosis congenita of Leber, type 5. Identifiers: Orphanet 65, MedGen C1858301, MONDO:0011473, OMIM 604537.
LCA5-related disorder. Also called: LCA5-related condition.

Allele frequency attached by ClinVar (database versions not stated): ESP Exome Variant Server 0.00015; TOPMed 0.00022; gnomAD 0.00023; ExAC 0.00029.
gnomAD v4.1: 338 of 1,613,424 alleles (0.021%); highest among the groups gnomAD compares: Non-Finnish European, 0.027%; no homozygotes.

Submissions (7):

PreventionGenetics, part of Exact Sciences
Classification: Uncertain significance for LCA5-related condition. Last evaluated: 2026-05-26. Review status: criteria provided, single submitter. Criteria: ACMG Guidelines, 2015. Collection method: clinical testing. Allele origin: germline.
Comment: The LCA5 c.2006G>T variant is predicted to result in the amino acid substitution p.Arg669Met. To our knowledge, this variant has not been reported in the literature. This variant is reported in 0.047% of alleles in individuals of European (Non-Finnish) descent in gnomAD. At this time, the clinical significance of this variant is uncertain due to the absence of conclusive functional and genetic evidence.

Labcorp Genetics (formerly Invitae), Labcorp
Classification: Uncertain significance. Last evaluated: 2025-01-13. Review status: criteria provided, single submitter. Criteria: Invitae Variant Classification Sherloc (09022015). Collection method: clinical testing. Allele origin: germline.
Comment: This sequence change replaces arginine, which is basic and polar, with methionine, which is neutral and non-polar, at codon 669 of the LCA5 protein (p.Arg669Met). This variant is present in population databases (rs371733166, gnomAD 0.04%). This variant has not been reported in the literature in individuals affected with LCA5-related conditions. ClinVar contains an entry for this variant (Variation ID: 358089). An algorithm developed to predict the effect of missense changes on protein structure and function (PolyPhen-2) suggests that this variant¬†is likely to be tolerated. In summary, the available evidence is currently insufficient to determine the role of this variant in disease. Therefore, it has been classified as a Variant of Uncertain Significance.

Blueprint Genetics
Classification: Uncertain significance. Last evaluated: 2024-11-23. Review status: criteria provided, single submitter. Criteria: ACMG Guidelines, 2015. Collection method: clinical testing. Allele origin: germline.

Department of Pathology and Laboratory Medicine, Sinai Health System
Classification: Uncertain significance for Leber congenital amaurosis 5. Last evaluated: 2022-06-09. Review status: criteria provided, single submitter. Criteria: ACMG Guidelines, 2015. Collection method: research. Allele origin: germline.

Centre for Mendelian Genomics, University Medical Centre Ljubljana
Classification: Uncertain significance for Leber congenital amaurosis 5. Last evaluated: 2020-04-01. Review status: criteria provided, single submitter. Criteria: ACMG Guidelines, 2015. Collection method: clinical testing. Allele origin: unknown. Affected: yes.
Comment: This variant was classified as: Uncertain significance. The available evidence on this variant's pathogenicity is insufficient or conflicting. The following ACMG criteria were applied in classifying this variant: PM2,PP3.

Illumina Laboratory Services, Illumina
Classification: Uncertain significance for Leber congenital amaurosis 5. Last evaluated: 2018-01-13. Review status: criteria provided, single submitter. Criteria: ICSL Variant Classification Criteria 13 December 2019. Collection method: clinical testing. Allele origin: germline.

Natera, Inc.
Classification: Uncertain significance for Leber congenital amaurosis type 5. Last evaluated: 2019-10-28. Review status: no assertion criteria provided. Collection method: clinical testing. Allele origin: germline. Not counted in ClinVar's aggregate classification.